The following is an entry in ClinVar:

NM_005045.4(RELN):c.5527G>A (p.Gly1843Arg)

Gene: RELN (reelin; minus strand). Cytogenetic location: 7q22.1.
Variant type: single nucleotide variant.
Coding change: c.5527G>A on transcript NM_005045.4 (MANE Select); coding-DNA position 5527, G replaced by A.
Protein change: p.Gly1843Arg; replaces glycine 1843 with arginine.
Molecular consequence: missense variant.
Genome position (GRCh38, 1-based): chr7:103,561,534, C>T on the plus strand (G>A on the coding strand, the complement: RELN is on the minus strand). VCF-style: chr7-103561534-C-T. GRCh37 (hg19) VCF-style: chr7-103201981-C-T.
Other names: c.5527G>A, p.Gly1843Arg (NM_173054.3); short protein forms G1843R.
Identifiers: ClinVar variation 4790210 (VCV004790210.1).

ClinVar aggregate classification (germline): Uncertain significance (1 of 4 stars; one submission).

Conditions:
Norman-Roberts syndrome (LIS2). Also called: Lissencephaly 2 (Norman-Roberts type). Identifiers: Orphanet 89844, MedGen C0796089, MONDO:0009760, OMIM 257320.
Familial temporal lobe epilepsy 7. Identifiers: Orphanet 101046, MedGen C4225327, MONDO:0014639, OMIM 616436.

gnomAD v4.1: 1 of 1,611,750 alleles (0.000062%); highest among the groups gnomAD compares: Non-Finnish European, 0.000085%; no homozygotes.

Submission:

Labcorp Genetics (formerly Invitae), Labcorp
Classification: Uncertain significance for Familial temporal lobe epilepsy 7; Norman-Roberts syndrome. Last evaluated: 2025-04-01. Review status: criteria provided, single submitter. Criteria: Invitae Variant Classification Sherloc (09022015). Collection method: clinical testing. Allele origin: germline.
Comment: This sequence change replaces glycine, which is neutral and non-polar, with arginine, which is basic and polar, at codon 1843 of the RELN protein (p.Gly1843Arg). This variant is not present in population databases (gnomAD no frequency). This variant has not been reported in the literature in individuals affected with RELN-related conditions. An algorithm developed to predict the effect of missense changes on protein structure and function (PolyPhen-2) suggests that this variant is likely to be disruptive. In summary, the available evidence is currently insufficient to determine the role of this variant in disease. Therefore, it has been classified as a Variant of Uncertain Significance.